The following is an entry in ClinVar:

NM_001039958.2(MESP2):c.349C>T (p.Gln117Ter)

Genes: MESP2 (mesoderm posterior bHLH transcription factor 2; plus strand), LOC130057891 (ATAC-STARR-seq lymphoblastoid silent region 6806; plus strand). Cytogenetic location: 15q26.1.
Variant type: single nucleotide variant.
Coding change: c.349C>T on transcript NM_001039958.2 (MANE Select); coding-DNA position 349, C replaced by T.
Protein change: p.Gln117Ter; replaces glutamine 117 with a stop codon.
Molecular consequence: nonsense.
Genome position (GRCh38, 1-based): chr15:89,776,706, C>T. VCF-style: chr15-89776706-C-T. GRCh37 (hg19) VCF-style: chr15-90319937-C-T.
Other names: short protein forms Q117*.
Identifiers: ClinVar variation 551651 (VCV000551651.8), dbSNP rs1555439063, ClinGen allele CA393769764.

ClinVar aggregate classification (germline): Pathogenic/Likely pathogenic. Review status: criteria provided, multiple submitters, no conflicts (2 of 4 stars). 3 submissions from 3 submitters: Pathogenic (1); Likely pathogenic (1). 1 of the submissions does not count toward it. Last evaluated 2025-08-01.

Conditions:
Spondylocostal dysostosis 2, autosomal recessive (SCDO2). Also called: Spondylocostal dysostosis type 2; MESP2-Related Spondylocostal Dysostosis, Autosomal Recessive. Identifiers: Orphanet 2311, MedGen C1837549, MONDO:0012097, OMIM 608681.

Allele frequency attached by ClinVar (database versions not stated): TOPMed below 0.00001.

Submissions (3):

Natera, Inc.
Classification: Likely pathogenic for Spondylocostal dysostosis type 2. Last evaluated: 2025-08-01. Review status: criteria provided, single submitter. Criteria: Natera Variant Classification Schema (03/2026). Collection method: clinical testing. Allele origin: germline.
Comment: The c.349C>T variant in MESP2 is a nonsense variant predicted to introduce a stop codon at amino acid 117. This variant is expected to result in nonsense mediated decay, truncation, or a dysfunctional protein product. This variant is rare in the general population with a frequency below the threshold expected for the associated phenotype(s). Given the available evidence, this variant is classified as Likely Pathogenic.

Labcorp Genetics (formerly Invitae), Labcorp
Classification: Pathogenic. Last evaluated: 2022-03-24. Review status: criteria provided, single submitter. Criteria: Invitae Variant Classification Sherloc (09022015). Collection method: clinical testing. Allele origin: germline.
Comment: ClinVar contains an entry for this variant (Variation ID: 551651). For these reasons, this variant has been classified as Pathogenic. This sequence change creates a premature translational stop signal (p.Gln117*) in the MESP2 gene. It is expected to result in an absent or disrupted protein product. Loss-of-function variants in MESP2 are known to be pathogenic (PMID: 9242490, 18485326). This variant is not present in population databases (gnomAD no frequency). This variant has not been reported in the literature in individuals affected with MESP2-related conditions.

Counsyl
Classification: Likely pathogenic for Spondylocostal dysostosis 2, autosomal recessive. Last evaluated: 2017-04-28. Review status: no assertion criteria provided. Collection method: clinical testing. Allele origin: unknown. Not counted in ClinVar's aggregate classification.

Literature cited by the submitters: PubMed 9242490 (cited by Labcorp Genetics (formerly Invitae), Labcorp); PubMed 18485326 (cited by Labcorp Genetics (formerly Invitae), Labcorp).